The following is an entry in ClinVar:

NM_005413.4(SIX3):c.730G>T (p.Gly244Cys)

Gene: SIX3 (SIX homeobox 3; plus strand). Cytogenetic location: 2p21.
Variant type: single nucleotide variant.
Coding change: c.730G>T on transcript NM_005413.4 (MANE Select); coding-DNA position 730, G replaced by T.
Protein change: p.Gly244Cys; replaces glycine 244 with cysteine.
Molecular consequence: missense variant.
Genome position (GRCh38, 1-based): chr2:44,942,834, G>T. VCF-style: chr2-44942834-G-T. GRCh37 (hg19) VCF-style: chr2-45169973-G-T.
Other names: short protein forms G244C.
Identifiers: ClinVar variation 2574421 (VCV002574421.3), dbSNP rs989286015, ClinGen allele CA47011060.

ClinVar aggregate classification (germline): Uncertain significance. Review status: criteria provided, multiple submitters, no conflicts (2 of 4 stars). 2 submissions from 2 submitters: Uncertain significance (2). Last evaluated 2025-02-15.

Conditions:
Holoprosencephaly 2 (HPE2). Identifiers: Orphanet 2162, MedGen C1834877, MONDO:0007999, OMIM 157170.

Allele frequency attached by ClinVar (database versions not stated): TOPMed 0.00001.
gnomAD v4.1: 1 of 1,599,406 alleles (0.000063%); highest among the groups gnomAD compares: Non-Finnish European, 0.000085%; no homozygotes.

Submissions (2):

Labcorp Genetics (formerly Invitae), Labcorp
Classification: Uncertain significance for Holoprosencephaly 2. Last evaluated: 2025-02-15. Review status: criteria provided, single submitter. Criteria: Invitae Variant Classification Sherloc (09022015). Collection method: clinical testing. Allele origin: germline.
Comment: This sequence change replaces glycine, which is neutral and non-polar, with cysteine, which is neutral and slightly polar, at codon 244 of the SIX3 protein (p.Gly244Cys). This variant is not present in population databases (gnomAD no frequency). This missense change has been observed in individual(s) with holoprosencephaly (PMID: 18791198). ClinVar contains an entry for this variant (Variation ID: 2574421). Invitae Evidence Modeling of protein sequence and biophysical properties (such as structural, functional, and spatial information, amino acid conservation, physicochemical variation, residue mobility, and thermodynamic stability) indicates that this missense variant is expected to disrupt SIX3 protein function with a positive predictive value of 80%. Experimental studies have shown that this missense change affects SIX3 function (PMID: 18791198). In summary, the available evidence is currently insufficient to determine the role of this variant in disease. Therefore, it has been classified as a Variant of Uncertain Significance.

GeneDx
Classification: Uncertain significance. Last evaluated: 2024-09-03. Review status: criteria provided, single submitter. Criteria: GeneDx Variant Classification Process June 2021. Collection method: clinical testing. Allele origin: germline. Affected: yes.
Comment: Reported in a patient with holoprosencephaly in published literature, although detailed clinical information and familial segregation were not provided (PMID: 18791198); In vivo over-expression of this SIX3 variant in zebrafish showed a shift in dorsal-ventral patterning compared to wildtype but the biological relevance of heterozygous expression of this variant in humans remains to be determined (PMID: 18791198); In silico analysis supports that this missense variant has a deleterious effect on protein structure/function; This variant is associated with the following publications: (PMID: 28501477, 20635334, 18791198)

Literature cited by the submitters: PubMed 18791198 (cited by Labcorp Genetics (formerly Invitae), Labcorp).